The following is an entry in ClinVar:

NM_024422.6(DSC2):c.69+2T>C

Genes: DSC2 (desmocollin 2; minus strand), DSCAS (DSC1/DSC2 antisense RNA; plus strand). Cytogenetic location: 18q12.1.
Variant type: single nucleotide variant.
Coding change: c.69+2T>C on transcript NM_024422.6 (MANE Select); the canonical splice donor site of the intron after coding-DNA position 69, T replaced by C.
Molecular consequence: splice donor variant.
Genome position (GRCh38, 1-based): chr18:31,101,901, A>G on the plus strand (T>C on the coding strand, the complement: DSC2 is on the minus strand). VCF-style: chr18-31101901-A-G. GRCh37 (hg19) VCF-style: chr18-28681864-A-G.
Other names: c.69+2T>C (NM_004949.5).
Identifiers: ClinVar variation 926303 (VCV000926303.11), dbSNP rs1987974114, ClinGen allele CA402115199.
Genomic context (GRCh38, chr18:31,101,901, plus strand): 5'-TTTTCCTCTGCACCCTAGGCGATCGCCCCCTTCCCCGGAGCGGTGGCCGCGGCTACACTC[A>G]CCGCGAGGGTCAGCAGGAGCAGCCGGCAGAGGGCTCCGTTCCAGGAGCCGGAGGGGCGGG-3'

ClinVar aggregate classification (germline): Conflicting classifications of pathogenicity. Review status: criteria provided, conflicting classifications (1 of 4 stars). 2 submissions from 2 submitters: Likely pathogenic (1); Uncertain significance (1). Last evaluated 2025-09-22.

Conditions:
Arrhythmogenic right ventricular dysplasia 11. Also called: ARRHYTHMOGENIC RIGHT VENTRICULAR DYSPLASIA, FAMILIAL, 11; Arrhythmogenic Right Ventricular Dysplasia/Cardiomyopathy11; Arrhythmogenic right ventricular dysplasia 11 with mild palmoplantar keratoderma and woolly hair. Identifiers: MedGen C1864850, MONDO:0012506, OMIM 610476.
Cardiomyopathy (CMYO). Also called: Cardiomyopathies. Identifiers: Orphanet 167848, MedGen C0878544, MONDO:0004994, HP:0001638. Inheritance: Various modes of inheritance.

Submissions (2):

Color Diagnostics, LLC DBA Color Health
Classification: Uncertain significance for Cardiomyopathy. Last evaluated: 2025-09-22. Review status: criteria provided, single submitter. Criteria: ACMG Guidelines, 2015. Collection method: clinical testing. Allele origin: germline.
Comment: This variant causes a T to C nucleotide substitution at +2 position in intron 1 in the DSC2 gene. To our knowledge, functional studies have not been reported for this variant. This variant has not been reported in individuals affected with DSC2-related disorders in the literature. This variant has not been identified in the general population by the Genome Aggregation Database (gnomAD). The available evidence is insufficient to determine the role of this variant in disease conclusively. Therefore, this variant is classified as a Variant of Uncertain Significance.

Labcorp Genetics (formerly Invitae), Labcorp
Classification: Likely pathogenic for Arrhythmogenic right ventricular dysplasia 11. Last evaluated: 2023-04-24. Review status: criteria provided, single submitter. Criteria: Invitae Variant Classification Sherloc (09022015). Collection method: clinical testing. Allele origin: germline.
Comment: This sequence change affects a donor splice site in intron 1 of the DSC2 gene. It is expected to disrupt RNA splicing. Variants that disrupt the donor or acceptor splice site typically lead to a loss of protein function (PMID: 16199547), and loss-of-function variants in DSC2 are known to be pathogenic (PMID: 23911551). This variant is not present in population databases (gnomAD no frequency). This variant has not been reported in the literature in individuals affected with DSC2-related conditions. ClinVar contains an entry for this variant (Variation ID: 926303). Algorithms developed to predict the effect of sequence changes on RNA splicing suggest that this variant may disrupt the consensus splice site. In summary, the currently available evidence indicates that the variant is pathogenic, but additional data are needed to prove that conclusively. Therefore, this variant has been classified as Likely Pathogenic.

Literature cited by the submitters: PubMed 16199547 (cited by Labcorp Genetics (formerly Invitae), Labcorp); PubMed 23911551 (cited by Labcorp Genetics (formerly Invitae), Labcorp).